The following is an entry in ClinVar:

NM_003072.5(SMARCA4):c.713_714inv (p.Pro238Arg)

Gene: SMARCA4 (SWI/SNF related BAF chromatin remodeling complex subunit ATPase 4; plus strand). Cytogenetic location: 19p13.2.
Variant type: Inversion.
Coding change: c.713_714inv on transcript NM_003072.5 (MANE Select).
Protein change: p.Pro238Arg; replaces proline 238 with arginine.
Molecular consequence: missense variant. On other transcripts: non-coding transcript variant (1).
Genome position: GRCh38 VCF-style: chr19-10986546-CC-GG. GRCh37 (hg19) VCF-style: chr19-11097222-CC-GG.
Other names: c.713_714inv, p.Pro238Arg (NM_001128844.3, NM_001128845.2, NM_001128846.2 and 4 more transcripts); c.713_714delCCinsGG (NM_001128849.1); short protein forms P238R.
Identifiers: ClinVar variation 935631 (VCV000935631.10), ClinGen allele CA1139666256.
Genomic context (GRCh38, chr19:10,986,546, plus strand): 5'-CAACGCTACCTCCACCCTCGGTGTCCGCAACAGGACCCGGCCCTGGCCCTGGCCCTGGCC[CC>GG]GGCCCGGGTCCCGGCCCGGCACCTCCAAATTACAGCAGGCCTCATGGTAAGACTGGCTGC-3'
Protein context (NP_003063.2, residues 228-248): TGPGPGPGPG[Pro238Arg]GPGPGPAPPN

ClinVar aggregate classification (germline): Conflicting classifications of pathogenicity. Review status: criteria provided, conflicting classifications (1 of 4 stars). 2 submissions from 2 submitters: Uncertain significance (1); Likely benign (1). Last evaluated 2024-12-02.

Conditions:
Rhabdoid tumor predisposition syndrome 2 (RTPS2). Identifiers: Orphanet 231108, Orphanet 69077, MedGen C2750074, MONDO:0013224, OMIM 613325.
Hereditary cancer-predisposing syndrome. Also called: Tumor predisposition; Hereditary neoplastic syndrome; Hereditary Cancer Syndrome; Neoplastic Syndromes, Hereditary. Identifiers: Orphanet 140162, MedGen C0027672, MeSH D009386, MONDO:0015356.

Submissions (2):

Labcorp Genetics (formerly Invitae), Labcorp
Classification: Uncertain significance for Rhabdoid tumor predisposition syndrome 2. Last evaluated: 2024-12-02. Review status: criteria provided, single submitter. Criteria: Invitae Variant Classification Sherloc (09022015). Collection method: clinical testing. Allele origin: germline.
Comment: This sequence change replaces proline, which is neutral and non-polar, with arginine, which is basic and polar, at codon 238 of the SMARCA4 protein (p.Pro238Arg). Information on the frequency of this variant in the gnomAD database is not available, as this variant may be reported differently in the database. This variant has not been reported in the literature in individuals affected with SMARCA4-related conditions. ClinVar contains an entry for this variant (Variation ID: 935631). An algorithm developed to predict the effect of missense changes on protein structure and function (PolyPhen-2) suggests that this variant is likely to be disruptive. In summary, the available evidence is currently insufficient to determine the role of this variant in disease. Therefore, it has been classified as a Variant of Uncertain Significance.

Ambry Genetics
Classification: Likely benign for Hereditary cancer-predisposing syndrome. Last evaluated: 2022-10-11. Review status: criteria provided, single submitter. Criteria: Ambry Variant Classification Scheme 2023. Collection method: clinical testing. Allele origin: germline.